The following is an entry in ClinVar:

NM_153717.3(EVC):c.2894+18A>G

Gene: EVC (EvC ciliary complex subunit 1; plus strand). Cytogenetic location: 4p16.2.
Variant type: single nucleotide variant.
Coding change: c.2894+18A>G on transcript NM_153717.3 (MANE Select); 18 bases into the intron after coding-DNA position 2894, A replaced by G.
Molecular consequence: intron variant.
Genome position (GRCh38, 1-based): chr4:5,810,468, A>G. VCF-style: chr4-5810468-A-G. GRCh37 (hg19) VCF-style: chr4-5812195-A-G.
Other names: c.2894+18A>G (NM_001306090.2).
Identifiers: ClinVar variation 262778 (VCV000262778.21), dbSNP rs2279250, ClinGen allele CA2836733.

ClinVar aggregate classification (germline): Benign. Review status: criteria provided, multiple submitters, no conflicts (2 of 4 stars). 10 submissions from 9 submitters: Benign (8). 2 of the submissions do not count toward it. Last evaluated 2026-05-08.

Conditions:
Ellis-van Creveld syndrome (EVC). Also called: Chondroectodermal dysplasia; MESOECTODERMAL DYSPLASIA. Identifiers: Orphanet 289, MedGen C0013903, MONDO:0009162, OMIM 225500.
Curry-Hall syndrome (WAD). Also called: WEYERS ACRODENTAL DYSOSTOSIS. Identifiers: Orphanet 952, MedGen C0457013, MONDO:0008673, OMIM 193530.

Allele frequency attached by ClinVar (database versions not stated): 1000 Genomes Project 0.69069; 1000 Genomes Project 30x 0.69144; TOPMed 0.70451; ESP Exome Variant Server 0.71797; gnomAD 0.71871 and 0.71896; ExAC 0.74536.
gnomAD v4.1: 1,155,855 of 1,588,286 alleles (73%); highest among the groups gnomAD compares: South Asian, 83%; 422,125 homozygotes.

Submissions (10):

Women's Health and Genetics/Laboratory Corporation of America, LabCorp
Classification: Benign. Last evaluated: 2026-05-08. Review status: criteria provided, single submitter. Criteria: LabCorp Variant Classification Summary - May 2015. Collection method: clinical testing. Allele origin: germline.

Labcorp Genetics (formerly Invitae), Labcorp
Classification: Benign for Curry-Hall syndrome; Ellis-van Creveld syndrome. Last evaluated: 2026-02-04. Review status: criteria provided, single submitter. Criteria: Invitae Variant Classification Sherloc (09022015). Collection method: clinical testing. Allele origin: germline.

Blueprint Genetics
Classification: Benign. Last evaluated: 2024-11-26. Review status: criteria provided, single submitter. Criteria: ACMG Guidelines, 2015. Collection method: clinical testing. Allele origin: germline.

Genome-Nilou Lab
Classification: Benign for Curry-Hall syndrome. Last evaluated: 2021-07-30. Review status: criteria provided, single submitter. Criteria: ACMG Guidelines, 2015. Collection method: clinical testing. Allele origin: germline. Affected: no.

Genome-Nilou Lab
Classification: Benign for Ellis-van Creveld syndrome. Last evaluated: 2021-07-30. Review status: criteria provided, single submitter. Criteria: ACMG Guidelines, 2015. Collection method: clinical testing. Allele origin: germline. Affected: no.

GeneDx
Classification: Benign. Last evaluated: 2016-03-03. Review status: criteria provided, single submitter. Criteria: GeneDx Variant Classification (06012015). Collection method: clinical testing. Allele origin: germline. Affected: yes.
Comment: This variant is considered likely benign or benign based on one or more of the following criteria: it is a conservative change, it occurs at a poorly conserved position in the protein, it is predicted to be benign by multiple in silico algorithms, and/or has population frequency not consistent with disease.

Breakthrough Genomics
Classification: Benign. Review status: criteria provided, single submitter. Criteria: ACMG Guidelines, 2015. Collection method: not provided. Allele origin: germline. Inheritance: Autosomal recessive inheritance. Affected: yes.

PreventionGenetics, part of Exact Sciences
Classification: Benign. Review status: criteria provided, single submitter. Criteria: ACMG Guidelines, 2015. Collection method: clinical testing. Allele origin: germline.

Diagnostic Laboratory, Department of Genetics, University Medical Center Groningen
Classification: Benign. Review status: no assertion criteria provided. Collection method: clinical testing. Allele origin: germline. Affected: yes. Study: VKGL Data-share Consensus. Not counted in ClinVar's aggregate classification.

Joint Genome Diagnostic Labs from Nijmegen and Maastricht, Radboudumc and MUMC+
Classification: Benign. Review status: no assertion criteria provided. Collection method: clinical testing. Allele origin: germline. Affected: yes. Study: VKGL Data-share Consensus. Not counted in ClinVar's aggregate classification.